The following is an entry in ClinVar:

ClinVar aggregate classification (germline): Uncertain significance. Review status: criteria provided, multiple submitters, no conflicts (2 of 4 stars). 3 submissions from 3 submitters: Uncertain significance (2). 1 of the submissions does not count toward it. Last evaluated 2024-06-10.

Conditions:
Fanconi anemia complementation group J. Also called: BRIP1-Related Fanconi Anemia. Identifiers: Orphanet 84, MedGen C1836860, MONDO:0012187, OMIM 609054.
Familial cancer of breast. Also called: hereditary breast carcinoma; Hereditary breast cancer; BREAST CANCER, FAMILIAL. Identifiers: Orphanet 227535, MedGen C0346153, MONDO:0016419, OMIM 114480. Disease mechanism: loss of function.
Malignant tumor of breast. Also called: Malignant breast neoplasm; Cancer breast. Identifiers: MedGen C0006142, MONDO:0007254. Disease mechanism: loss of function.
Hereditary cancer-predisposing syndrome. Also called: Neoplastic Syndromes, Hereditary; Hereditary neoplastic syndrome; Hereditary Cancer Syndrome; Tumor predisposition. Identifiers: Orphanet 140162, MedGen C0027672, MeSH D009386, MONDO:0015356.

Submissions (3):

Labcorp Genetics (formerly Invitae), Labcorp
Classification: Uncertain significance for Familial cancer of breast; Fanconi anemia complementation group J. Last evaluated: 2024-06-10. Review status: criteria provided, single submitter. Criteria: Invitae Variant Classification Sherloc (09022015). Collection method: clinical testing. Allele origin: germline.
Comment: This sequence change replaces valine, which is neutral and non-polar, with glycine, which is neutral and non-polar, at codon 572 of the BRIP1 protein (p.Val572Gly). This variant is not present in population databases (gnomAD no frequency). This variant has not been reported in the literature in individuals affected with BRIP1-related conditions. ClinVar contains an entry for this variant (Variation ID: 655636). Advanced modeling of protein sequence and biophysical properties (such as structural, functional, and spatial information, amino acid conservation, physicochemical variation, residue mobility, and thermodynamic stability) performed at Invitae indicates that this missense variant is not expected to disrupt BRIP1 protein function with a negative predictive value of 80%. In summary, the available evidence is currently insufficient to determine the role of this variant in disease. Therefore, it has been classified as a Variant of Uncertain Significance.

Ambry Genetics
Classification: Uncertain significance for Hereditary cancer-predisposing syndrome. Last evaluated: 2024-05-24. Review status: criteria provided, single submitter. Criteria: Ambry Variant Classification Scheme 2023. Collection method: clinical testing. Allele origin: germline.
Comment: The p.V572G variant (also known as c.1715T>G), located in coding exon 11 of the BRIP1 gene, results from a T to G substitution at nucleotide position 1715. The valine at codon 572 is replaced by glycine, an amino acid with dissimilar properties. This variant was also observed in 1/3251 individuals who met eligibility criteria for hereditary breast and ovarian cancer syndrome (Lerner-Ellis J et al. J Cancer Res Clin Oncol, 2021 Mar;147:871-879). This amino acid position is not well conserved in available vertebrate species. In addition, this alteration is predicted to be tolerated by in silico analysis. Since supporting evidence is limited at this time, the clinical significance of this alteration remains unclear.

Department of Pathology and Laboratory Medicine, Sinai Health System
Classification: Uncertain significance for Malignant tumor of breast. Review status: no assertion criteria provided. Collection method: clinical testing. Allele origin: unknown. Affected: yes. Study: The Canadian Open Genetics Repository (COGR). Not counted in ClinVar's aggregate classification.
Comment: The BRIP1 p.Val572Gly variant was not identified in the literature nor was it identified in the dbSNP or ClinVar databases. The variant was not identified in the following control databases: the Exome Aggregation Consortium (August 8th 2016) or the Genome Aggregation Database (Feb 27, 2017). The p.Val572Gly residue is not conserved in mammals and four out of five computational analyses (PolyPhen-2, SIFT, AlignGVGD, BLOSUM, MutationTaster) do not suggest a high likelihood of impact to the protein; however, this information is not predictive enough to rule out pathogenicity. The variant occurs outside of the splicing consensus sequence and in silico or computational prediction software programs (SpliceSiteFinder, MaxEntScan, NNSPLICE, GeneSplicer) do not predict a difference in splicing. In summary, based on the above information the clinical significance of this variant cannot be determined with certainty at this time. This variant is classified as a variant of uncertain significance.

Literature cited by the submitters: PubMed 32885271 (cited by Ambry Genetics).

NM_032043.3(BRIP1):c.1715T>G (p.Val572Gly)

Gene: BRIP1 (BRCA1 interacting DNA helicase 1; minus strand). Cytogenetic location: 17q23.2.
Variant type: single nucleotide variant.
Coding change: c.1715T>G on transcript NM_032043.3 (MANE Select); coding-DNA position 1715, T replaced by G.
Protein change: p.Val572Gly; replaces valine 572 with glycine.
Molecular consequence: missense variant.
Genome position (GRCh38, 1-based): chr17:61,780,919, A>C on the plus strand (T>G on the coding strand, the complement: BRIP1 is on the minus strand). VCF-style: chr17-61780919-A-C. GRCh37 (hg19) VCF-style: chr17-59858280-A-C.
Other names: short protein forms V572G.
Identifiers: ClinVar variation 655636 (VCV000655636.14), dbSNP rs1603334516, ClinGen allele CA400480399.